The following is an entry in ClinVar:

ClinVar aggregate classification (germline): Likely pathogenic (1 of 4 stars; one submission).

Conditions:
Leukodystrophy, hypomyelinating, 6. Also called: Hypomyelination with Atrophy of Basal Ganglia and Cerebellum (H-ABC); LEUKODYSTROPHY, HYPOMYELINATING, WITH ATROPHY OF THE BASAL GANGLIA AND CEREBELLUM; TUBB4A-Associated Leukodystrophy. Identifiers: Orphanet 139441, MedGen C2676244, MONDO:0012905, OMIM 612438.

Submission:

Centre for Mendelian Genomics, University Medical Centre Ljubljana
Classification: Likely pathogenic for Leukodystrophy, hypomyelinating, 6. Last evaluated: 2018-12-24. Review status: criteria provided, single submitter. Criteria: ACMG Guidelines, 2015. Collection method: clinical testing. Allele origin: unknown. Affected: yes.
Comment: This variant was classified as: Likely pathogenic. The following ACMG criteria were applied in classifying this variant: PM2,PP3,PM1,PP2.

NM_006087.4(TUBB4A):c.1021T>C (p.Phe341Leu)

Gene: TUBB4A (tubulin beta 4A class IVa; minus strand). Cytogenetic location: 19p13.3.
Variant type: single nucleotide variant.
Coding change: c.1021T>C on transcript NM_006087.4 (MANE Select); coding-DNA position 1021, T replaced by C.
Protein change: p.Phe341Leu; replaces phenylalanine 341 with leucine.
Molecular consequence: missense variant.
Genome position (GRCh38, 1-based): chr19:6,495,478, A>G on the plus strand (T>C on the coding strand, the complement: TUBB4A is on the minus strand). VCF-style: chr19-6495478-A-G. GRCh37 (hg19) VCF-style: chr19-6495489-A-G.
Other names: c.1174T>C, p.Phe392Leu (NM_001289123.2); c.1156T>C, p.Phe386Leu (NM_001289127.2); c.1021T>C, p.Phe341Leu (NM_001289129.2); c.805T>C, p.Phe269Leu (NM_001289130.2, NM_001289131.2); short protein forms F269L, F341L, F386L, F392L.
Identifiers: ClinVar variation 930298 (VCV000930298.3), dbSNP rs1914104455, ClinGen allele CA403589218.